The following is an entry in ClinVar:

ClinVar aggregate classification (germline): Pathogenic (1 of 4 stars; one submission).

Submission:

Labcorp Genetics (formerly Invitae), Labcorp
Classification: Pathogenic. Last evaluated: 2025-12-22. Review status: criteria provided, single submitter. Criteria: Invitae Variant Classification Sherloc (09022015). Collection method: clinical testing. Allele origin: germline.
Comment: This sequence change creates a premature translational stop signal (p.Trp2053*) in the ABCA4 gene. It is expected to result in an absent or disrupted protein product. Loss-of-function variants in ABCA4 are known to be pathogenic (PMID: 10958761, 24938718, 25312043, 26780318). This variant is not present in population databases (gnomAD no frequency). This premature translational stop signal has been observed in individual(s) with Stargardt disease (PMID: 37510321). For these reasons, this variant has been classified as Pathogenic.

Literature cited by the submitters: PubMed 10958761; PubMed 24938718; PubMed 25312043; PubMed 26780318; PubMed 37510321.

NM_000350.3(ABCA4):c.6159G>A (p.Trp2053Ter)

Gene: ABCA4 (ATP binding cassette subfamily A member 4; minus strand). Cytogenetic location: 1p22.1.
Variant type: single nucleotide variant.
Coding change: c.6159G>A on transcript NM_000350.3 (MANE Select); coding-DNA position 6159, G replaced by A.
Protein change: p.Trp2053Ter; replaces tryptophan 2053 with a stop codon.
Molecular consequence: nonsense.
Genome position (GRCh38, 1-based): chr1:94,001,981, C>T on the plus strand (G>A on the coding strand, the complement: ABCA4 is on the minus strand). VCF-style: chr1-94001981-C-T. GRCh37 (hg19) VCF-style: chr1-94467537-C-T.
Other names: c.5937G>A, p.Trp1979Ter (NM_001425324.1); short protein forms W1979*, W2053*.
Identifiers: ClinVar variation 4700198 (VCV004700198.1).